The following is an entry in ClinVar:

NM_001042492.3(NF1):c.6147+2T>G

Gene: NF1 (neurofibromin 1; plus strand). Cytogenetic location: 17q11.2.
Variant type: single nucleotide variant.
Coding change: c.6147+2T>G on transcript NM_001042492.3 (MANE Select); the canonical splice donor site of the intron after coding-DNA position 6147, T replaced by G.
Molecular consequence: splice donor variant.
Genome position (GRCh38, 1-based): chr17:31,336,475, T>G. VCF-style: chr17-31336475-T-G. GRCh37 (hg19) VCF-style: chr17-29663493-T-G.
Other names: c.6084+2T>G (NM_000267.4).
Identifiers: ClinVar variation 1070078 (VCV001070078.6), dbSNP rs1555534621, ClinGen allele CA399011598.

ClinVar aggregate classification (germline): Pathogenic/Likely pathogenic. Review status: criteria provided, multiple submitters, no conflicts (2 of 4 stars). 2 submissions from 2 submitters: Pathogenic (1); Likely pathogenic (1). Last evaluated 2026-10-06.

Conditions:
Neurofibromatosis, type 1 (NF1). Also called: Peripheral type neurofibromatosis; NEUROFIBROMATOSIS, TYPE I, SOMATIC; Neurofibromatosis, type I; VON RECKLINGHAUSEN DISEASE. Identifiers: Orphanet 636, MedGen C0027831, MONDO:0018975, OMIM 162200. Disease mechanism: loss of function.

Submissions (2):

NHS Central & South Genomic Laboratory Hub
Classification: Likely pathogenic for Neurofibromatosis type 1. Last evaluated: 2026-10-06. Review status: criteria provided, single submitter. Criteria: ACMG Guidelines, 2015. Collection method: clinical testing. Allele origin: germline. Affected: yes.

Labcorp Genetics (formerly Invitae), Labcorp
Classification: Pathogenic for Neurofibromatosis, type 1. Last evaluated: 2020-03-14. Review status: criteria provided, single submitter. Criteria: Invitae Variant Classification Sherloc (09022015). Collection method: clinical testing. Allele origin: germline.
Comment: For these reasons, this variant has been classified as Pathogenic. Donor and acceptor splice site variants typically lead to a loss of protein function (PMID: 16199547), and loss-of-function variants in NF1 are known to be pathogenic (PMID: 10712197, 23913538). Algorithms developed to predict the effect of sequence changes on RNA splicing suggest that this variant may disrupt the consensus splice site, but this prediction has not been confirmed by published transcriptional studies. Disruption of this splice site has been observed in individual(s) with neurofibromatosis type 1 (PMID: 22222937, Invitae). This variant is not present in population databases (ExAC no frequency). This sequence change affects a donor splice site in intron 40 of the NF1 gene. It is expected to disrupt RNA splicing and likely results in an absent or disrupted protein product.

Literature cited by the submitters: PubMed 16199547 (cited by Labcorp Genetics (formerly Invitae), Labcorp); PubMed 10712197 (cited by Labcorp Genetics (formerly Invitae), Labcorp); PubMed 23913538 (cited by Labcorp Genetics (formerly Invitae), Labcorp); PubMed 22222937 (cited by Labcorp Genetics (formerly Invitae), Labcorp).